The following is an entry in ClinVar:

ClinVar aggregate classification (germline): Uncertain significance (1 of 4 stars; one submission).

Submission:

GeneDx
Classification: Uncertain significance. Last evaluated: 2026-09-29. Review status: criteria provided, single submitter. Criteria: GeneDx Variant Classification Process June 2021. Collection method: clinical testing. Allele origin: germline.
Comment: Not observed at significant frequency in large population cohorts (gnomAD); In-frame deletion of 10 amino acid(s) in a non-repeat region; In silico analysis supports a deleterious effect on protein structure/function; Has not been previously published as pathogenic or benign to our knowledge

NM_138927.4(SON):c.2151_2180del (p.Glu722_Met731del)

Gene: SON (SON DNA and RNA binding protein; plus strand). Cytogenetic location: 21q22.11.
Variant type: Deletion.
Coding change: c.2151_2180del on transcript NM_138927.4 (MANE Select); coding-DNA positions 2151 to 2180, 30 bases deleted (TTCTAACACCATGGAGACCCATATATTAGC).
Protein change: p.Glu722_Met731del.
Molecular consequence: inframe deletion. On other transcripts: non-coding transcript variant (1), intron variant (1).
Genome position (GRCh38, 1-based): chr21:33,551,382-33,551,411, TTCTAACACCATGGAGACCCATATATTAGC deleted; deleting any 30 consecutive bases within chr21:33,551,369-33,551,411 gives the same sequence; the c. name uses the placement nearest the transcript's 3' end. VCF-style (leftmost placement, unchanged base first): chr21-33551368-TCCCATATATTAGCTTCTAACACCATGGAGA-T. GRCh37 (hg19) VCF-style: chr21-34923674-TCCCATATATTAGCTTCTAACACCATGGAGA-T.
Other names: c.2151_2180del, p.Glu722_Met731del (NM_001291411.2, NM_032195.3); c.244+5003_244+5032del (NM_001291412.3).
Identifiers: ClinVar variation 5008951 (VCV005008951.1).
Genomic context (GRCh38, chr21:33,551,368, plus strand): 5'-ACTACATTAGTGGGGGAGACTTCTGTAACAGTAGGAGTGGATCCCTTGATGGCCCCAGAA[TCCCATATATTAGCTTCTAACACCATGGAGA>T]CCCATATATTAGCATCCAACACCATGGACTCCCAAATGCTAGCGTCCAACACCATGGACT-3'